The following is an entry in ClinVar:

NM_001375905.1(SGMS2):c.320A>C (p.Lys107Thr)

Genes: CYP2U1-AS1 (CYP2U1 and SGMS2 antisense RNA 1; minus strand), SGMS2 (sphingomyelin synthase 2; plus strand). Cytogenetic location: 4q25.
Variant type: single nucleotide variant.
Coding change: c.320A>C on transcript NM_001375905.1 (MANE Select); coding-DNA position 320, A replaced by C.
Protein change: p.Lys107Thr; replaces lysine 107 with threonine.
Molecular consequence: missense variant. On other transcripts: intron variant (1).
Genome position (GRCh38, 1-based): chr4:107,895,873, A>C. VCF-style: chr4-107895873-A-C. GRCh37 (hg19) VCF-style: chr4-108817029-A-C.
Other names: c.320A>C, p.Lys107Thr (NM_001136257.2, NM_001136258.2, NM_001375906.1 and 4 more transcripts); c.-64-3702A>C (NM_001375911.1); short protein forms K107T.
Identifiers: ClinVar variation 3906443 (VCV003906443.1).

ClinVar aggregate classification (germline): Uncertain significance (1 of 4 stars; one submission).

Submission:

GeneDx
Classification: Uncertain significance. Last evaluated: 2024-12-23. Review status: criteria provided, single submitter. Criteria: GeneDx Variant Classification Process June 2021. Collection method: clinical testing. Allele origin: germline. Affected: yes.
Comment: Not observed at significant frequency in large population cohorts (gnomAD); In silico analysis supports that this missense variant has a deleterious effect on protein structure/function; Has not been previously published as pathogenic or benign to our knowledge